The following is an entry in ClinVar:

NM_207346.3(TSEN54):c.221+6_221+7del

Gene: TSEN54 (tRNA splicing endonuclease subunit 54; plus strand). Cytogenetic location: 17q25.1.
Variant type: Microsatellite.
Coding change: c.221+6_221+7del on transcript NM_207346.3 (MANE Select); bases 6 to 7 of the intron after coding-DNA position 221, 2 bases deleted (AG; older notation c.221+6_221+7delAG).
Molecular consequence: intron variant.
Genome position (GRCh38, 1-based): chr17:75,516,916-75,516,917, AG deleted; deleting any 2 consecutive bases within chr17:75,516,913-75,516,917 gives the same sequence; the c. name uses the placement nearest the transcript's 3' end. VCF-style (leftmost placement, unchanged base first): chr17-75516912-TGA-T. GRCh37 (hg19) VCF-style: chr17-73512993-TGA-T.
Identifiers: ClinVar variation 1488303 (VCV001488303.3), dbSNP rs2147005865, ClinGen allele CA2580613248.
Genomic context (GRCh38, chr17:75,516,912, plus strand): 5'-CTGCGCCGGTGCCGGGAAGAGCTCTGGCAGCTGCTGGCAGAGCAGCGCGTGGAGCGCCTG[TGA>T]GAGGGGCGGGCCCAGGGGTAAGGGAAGCGGGGGCGAGGCGGGCCGCGGGGTCTCCGGAAT-3'

ClinVar aggregate classification (germline): Uncertain significance (1 of 4 stars; one submission).

Submission:

Labcorp Genetics (formerly Invitae), Labcorp
Classification: Uncertain significance. Last evaluated: 2022-06-14. Review status: criteria provided, single submitter. Criteria: Invitae Variant Classification Sherloc (09022015). Collection method: clinical testing. Allele origin: germline.
Comment: This sequence change falls in intron 2 of the TSEN54 gene. It does not directly change the encoded amino acid sequence of the TSEN54 protein. It affects a nucleotide within the consensus splice site. This variant is not present in population databases (gnomAD no frequency). This variant has not been reported in the literature in individuals affected with TSEN54-related conditions. Variants that disrupt the consensus splice site are a relatively common cause of aberrant splicing (PMID: 17576681, 9536098). Algorithms developed to predict the effect of sequence changes on RNA splicing suggest that this variant may create or strengthen a splice site. In summary, the available evidence is currently insufficient to determine the role of this variant in disease. Therefore, it has been classified as a Variant of Uncertain Significance.

Literature cited by the submitters: PubMed 17576681; PubMed 9536098.